The following is an entry in ClinVar:

ClinVar aggregate classification (germline): Uncertain significance. Review status: criteria provided, multiple submitters, no conflicts (2 of 4 stars). 3 submissions from 3 submitters: Uncertain significance (3). Last evaluated 2024-03-06.

Conditions:
Marfan syndrome (MFS). Also called: Marfan syndrome, classic; Marfan syndrome type 1; Marfan's syndrome; FBN1-Related Marfan Syndrome; MARFAN SYNDROME, TYPE I. Identifiers: Orphanet 284963, Orphanet 558, MedGen C0024796, MONDO:0007947, OMIM 154700.
Familial thoracic aortic aneurysm and aortic dissection (TAAD). Also called: Thoracic aortic aneurysms and dissections. Identifiers: Orphanet 91387, MedGen C4707243, MONDO:0019625.

Allele frequency attached by ClinVar (database versions not stated): gnomAD exomes below 0.00001 and 0.00001; gnomAD 0.00001; TOPMed 0.00002.
gnomAD v4.1: 2 of 1,613,730 alleles (0.00012%); highest among the groups gnomAD compares: Admixed American, 0.0033%; no homozygotes.

Submissions (3):

Color Diagnostics, LLC DBA Color Health
Classification: Uncertain significance for Familial thoracic aortic aneurysm and aortic dissection. Last evaluated: 2024-03-06. Review status: criteria provided, single submitter. Criteria: ACMG Guidelines, 2015. Collection method: clinical testing. Allele origin: germline.
Comment: This missense variant replaces glutamic acid with lysine at codon 2066 of the FBN1 protein. Computational prediction is inconclusive regarding the impact of this variant on protein structure and function (internally defined REVEL score threshold 0.5 < inconclusive < 0.7, PMID: 27666373). To our knowledge, functional studies have not been reported for this variant. This variant has not been reported in individuals affected with FBN1-related disorders in the literature. This variant has been identified in 2/251138 chromosomes in the general population by the Genome Aggregation Database (gnomAD). The available evidence is insufficient to determine the role of this variant in disease conclusively. Therefore, this variant is classified as a Variant of Uncertain Significance.

Labcorp Genetics (formerly Invitae), Labcorp
Classification: Uncertain significance for Marfan syndrome; Familial thoracic aortic aneurysm and aortic dissection. Last evaluated: 2024-02-27. Review status: criteria provided, single submitter. Criteria: Invitae Variant Classification Sherloc (09022015). Collection method: clinical testing. Allele origin: germline.
Comment: This sequence change replaces glutamic acid, which is acidic and polar, with lysine, which is basic and polar, at codon 2066 of the FBN1 protein (p.Glu2066Lys). This variant is present in population databases (no rsID available, gnomAD 0.006%). This variant has not been reported in the literature in individuals affected with FBN1-related conditions. ClinVar contains an entry for this variant (Variation ID: 921147). Advanced modeling of protein sequence and biophysical properties (such as structural, functional, and spatial information, amino acid conservation, physicochemical variation, residue mobility, and thermodynamic stability) has been performed at Invitae for this missense variant, however the output from this modeling did not meet the statistical confidence thresholds required to predict the impact of this variant on FBN1 protein function. In summary, the available evidence is currently insufficient to determine the role of this variant in disease. Therefore, it has been classified as a Variant of Uncertain Significance.

All of Us Research Program, National Institutes of Health
Classification: Uncertain significance for Marfan syndrome. Last evaluated: 2024-02-05. Review status: criteria provided, single submitter. Criteria: ACMG Guidelines, 2015. Collection method: clinical testing. Allele origin: germline. Inheritance: Autosomal dominant inheritance. Observed: 2 variant alleles, 2 heterozygotes.
Comment: This missense variant replaces glutamic acid with lysine at codon 2066 of the FBN1 protein. Computational prediction is inconclusive regarding the impact of this variant on protein structure and function (internally defined REVEL score threshold 0.5 < inconclusive < 0.7, PMID: 27666373). To our knowledge, functional studies have not been reported for this variant. This variant has not been reported in individuals affected with FBN1-related disorders in the literature. This variant has been identified in 2/251138 chromosomes in the general population by the Genome Aggregation Database (gnomAD). The available evidence is insufficient to determine the role of this variant in disease conclusively. Therefore, this variant is classified as a Variant of Uncertain Significance.

This study involves interpretation of variants in research participants for the purpose of population health screening. Participant phenotype was not available at the time of variant classification. Additional details can be found in publication PMID: 35346344, PMCID: PMC8962531

NM_000138.5(FBN1):c.6196G>A (p.Glu2066Lys)

Gene: FBN1 (fibrillin 1; minus strand). Cytogenetic location: 15q21.1.
Variant type: single nucleotide variant.
Coding change: c.6196G>A on transcript NM_000138.5 (MANE Select); coding-DNA position 6196, G replaced by A.
Protein change: p.Glu2066Lys; replaces glutamic acid 2066 with lysine.
Molecular consequence: missense variant.
Genome position (GRCh38, 1-based): chr15:48,437,885, C>T on the plus strand (G>A on the coding strand, the complement: FBN1 is on the minus strand). VCF-style: chr15-48437885-C-T. GRCh37 (hg19) VCF-style: chr15-48730082-C-T.
Other names: short protein forms E2066K.
Identifiers: ClinVar variation 921147 (VCV000921147.9), dbSNP rs1219570062, ClinGen allele CA392337202.